The following is an entry in ClinVar:

NM_017570.5(OPLAH):c.91C>T (p.Arg31Trp)

Gene: OPLAH (5-oxoprolinase, ATP-hydrolysing; minus strand). Cytogenetic location: 8q24.3.
Variant type: single nucleotide variant.
Coding change: c.91C>T on transcript NM_017570.5 (MANE Select); coding-DNA position 91, C replaced by T.
Protein change: p.Arg31Trp; replaces arginine 31 with tryptophan.
Molecular consequence: missense variant.
Genome position (GRCh38, 1-based): chr8:144,059,942, G>A on the plus strand (C>T on the coding strand, the complement: OPLAH is on the minus strand). VCF-style: chr8-144059942-G-A. GRCh37 (hg19) VCF-style: chr8-145114845-G-A.
Other names: c.91C>T (NM_017570.3); short protein forms R31W.
Identifiers: ClinVar variation 2634778 (VCV002634778.3), dbSNP rs782257834, ClinGen allele CA4932414.
Genomic context (GRCh38, chr8:144,059,942, plus strand): 5'-TGCCTTCGGTTGGCGCGTCCGCATAGTTGGCAGGGTCCTCTGAGAGCAGTTTTAAGACCC[G>A]CACGTGCCCCCCTGGGCACTGGGCAAAGACGTCTGTGAAGGTACCCCCACGGTCGATGGC-3'
Protein context (NP_060040.1, residues 21-41): VFAQCPGGHV[Arg31Trp]VLKLLSEDPA

ClinVar aggregate classification (germline): Uncertain significance. Review status: criteria provided, single submitter (1 of 4 stars). 2 submissions from 2 submitters: Uncertain significance (1). 1 of the submissions does not count toward it. Last evaluated 2025-08-10.

Conditions:
OPLAH-related disorder. Also called: OPLAH-related condition.

Allele frequency attached by ClinVar (database versions not stated): gnomAD 0.00001; TOPMed 0.00001; ExAC 0.00002.
gnomAD v4.1: 8 of 1,612,662 alleles (0.0005%); highest among the groups gnomAD compares: Non-Finnish European, 0.00042%; no homozygotes.

Submissions (2):

Ambry Genetics
Classification: Uncertain significance. Last evaluated: 2025-08-10. Review status: criteria provided, single submitter. Criteria: Ambry Variant Classification Scheme 2023. Collection method: clinical testing. Allele origin: germline.

PreventionGenetics, part of Exact Sciences
Classification: Uncertain significance for OPLAH-related condition. Last evaluated: 2024-08-15. Review status: no assertion criteria provided. Collection method: clinical testing. Allele origin: germline. Not counted in ClinVar's aggregate classification.
Comment: The OPLAH c.91C>T variant is predicted to result in the amino acid substitution p.Arg31Trp. To our knowledge, this variant has not been reported in the literature. This variant is reported in 0.0093% of alleles in individuals of European (Finnish) descent in gnomAD. At this time, the clinical significance of this variant is uncertain due to the absence of conclusive functional and genetic evidence.